The following is an entry in ClinVar:

NM_022173.4(TIA1):c.652T>C (p.Cys218Arg)

Gene: TIA1 (TIA1 cytotoxic granule associated RNA binding protein; minus strand). Cytogenetic location: 2p13.3.
Variant type: single nucleotide variant.
Coding change: c.652T>C on transcript NM_022173.4 (MANE Select); coding-DNA position 652, T replaced by C.
Protein change: p.Cys218Arg; replaces cysteine 218 with arginine.
Molecular consequence: missense variant. On other transcripts: non-coding transcript variant (17).
Genome position (GRCh38, 1-based): chr2:70,216,431, A>G on the plus strand (T>C on the coding strand, the complement: TIA1 is on the minus strand). VCF-style: chr2-70216431-A-G. GRCh37 (hg19) VCF-style: chr2-70443563-A-G.
Other names: c.232T>C, p.Cys78Arg (NM_001351517.2, NM_001351524.2, NM_001351525.2); c.652T>C, p.Cys218Arg (NM_001351508.2, NM_001351516.2); c.541T>C, p.Cys181Arg (NM_001351511.1); c.514T>C, p.Cys172Arg (NM_001351512.1); c.508T>C, p.Cys170Arg (NM_001351513.1); c.424T>C, p.Cys142Arg (NM_001351514.2); c.349T>C, p.Cys117Arg (NM_001351515.2); c.625T>C, p.Cys209Arg (NM_001351509.2); and 1 more; short protein forms C170R, C142R, C117R, C172R, C218R, C181R, C207R, C209R.
Identifiers: ClinVar variation 2996212 (VCV002996212.3), dbSNP rs2466560761, ClinGen allele CA347152475.

ClinVar aggregate classification (germline): Uncertain significance (1 of 4 stars; one submission).

Conditions:
Welander distal myopathy (WDM). Also called: Gower's muscular dystrophy; Welander distal myopathy, Swedish type; Distal myopathy, Swedish type; MUSCULAR DYSTROPHY, DISTAL, LATE-ONSET, AUTOSOMAL DOMINANT. Identifiers: Orphanet 603, MedGen C0221054, MONDO:0011466, OMIM 604454.

Submission:

Labcorp Genetics (formerly Invitae), Labcorp
Classification: Uncertain significance for Welander distal myopathy. Last evaluated: 2023-09-01. Review status: criteria provided, single submitter. Criteria: Invitae Variant Classification Sherloc (09022015). Collection method: clinical testing. Allele origin: germline.
Comment: In summary, the available evidence is currently insufficient to determine the role of this variant in disease. Therefore, it has been classified as a Variant of Uncertain Significance. Advanced modeling of protein sequence and biophysical properties (such as structural, functional, and spatial information, amino acid conservation, physicochemical variation, residue mobility, and thermodynamic stability) performed at Invitae indicates that this missense variant is not expected to disrupt TIA1 protein function. This variant has not been reported in the literature in individuals affected with TIA1-related conditions. This variant is not present in population databases (gnomAD no frequency). This sequence change replaces cysteine, which is neutral and slightly polar, with arginine, which is basic and polar, at codon 218 of the TIA1 protein (p.Cys218Arg).